The following is an entry in ClinVar:

ClinVar aggregate classification (germline): Likely benign (1 of 4 stars; one submission).

Submission:

CeGaT Center for Human Genetics Tuebingen
Classification: Likely benign. Last evaluated: 2024-06-01. Review status: criteria provided, single submitter. Criteria: CeGaT Center For Human Genetics Tuebingen Variant Classification Criteria Version 2. Collection method: clinical testing. Allele origin: germline. Affected: yes. Observed: 1 variant allele.
Comment: FMN2: BP4, BP7

NM_020066.5(FMN2):c.2841T>A (p.Pro947=)

Gene: FMN2 (formin 2; plus strand). Cytogenetic location: 1q43.
Variant type: single nucleotide variant.
Coding change: c.2841T>A on transcript NM_020066.5 (MANE Select); coding-DNA position 2841, T replaced by A.
Protein change: p.Pro947=; no amino-acid change (proline 947 retained).
Molecular consequence: synonymous variant. On other transcripts: intron variant (1).
Genome position (GRCh38, 1-based): chr1:240,207,653, T>A. VCF-style: chr1-240207653-T-A. GRCh37 (hg19) VCF-style: chr1-240370953-T-A.
Other names: c.2853T>A, p.Pro951= (NM_001305424.2); c.1986+19391T>A (NM_001348094.2).
Identifiers: ClinVar variation 3250663 (VCV003250663.18), dbSNP rs1340523358.
Genomic context (GRCh38, chr1:240,207,653, plus strand): 5'-CGGAGCAGGCATACTCCCTCTGCCCCCTCTACCCGGAGCGGGAATACCTCCTCCGCCCCC[T>A]CTACCCGGAGCGGCAATACCCCCTCCGCCCCCTCTTCCCGGGGCAGGCATACCCCTTCCT-3'
Protein context (NP_064450.3, residues 937-957): LPGAGIPPPP[Pro947=]LPGAAIPPPP